The following is an entry in ClinVar:

NM_023110.3(FGFR1):c.1365del (p.Met456fs)

Gene: FGFR1 (fibroblast growth factor receptor 1; minus strand). Cytogenetic location: 8p11.23.
Variant type: Deletion.
Coding change: c.1365del on transcript NM_023110.3 (MANE Select); coding-DNA position 1365, one base deleted (C; older notation c.1365delC).
Protein change: p.Met456fs; shifts the reading frame from methionine 456.
Molecular consequence: frameshift variant.
Genome position (GRCh38, 1-based): chr8:38,418,293, G deleted on the plus strand (C on the coding strand, the reverse complement: FGFR1 is on the minus strand); the first of 3 consecutive G bases (chr8:38,418,293-38,418,295); deleting any one gives the same sequence. VCF-style (leftmost placement, unchanged base first): chr8-38418292-TG-T. GRCh37 (hg19) VCF-style: chr8-38275810-TG-T.
Other names: c.1359del, p.Met454fs (NM_001174063.2, NM_001174065.2, NM_001354367.2 and 1 more transcripts); c.1335del, p.Met446fs (NM_001174064.2); c.1098del, p.Met367fs (NM_001174066.2, NM_023105.3); c.1458del, p.Met487fs (NM_001174067.2); c.1086del, p.Met363fs (NM_001354368.2); c.1353del, p.Met452fs (NM_001354369.2, NM_001410922.1); c.1092del, p.Met365fs (NM_001354370.2, NM_023106.3); short protein forms M363fs, M365fs, M367fs, M446fs, M452fs, M454fs, M456fs, M487fs.
Identifiers: ClinVar variation 3776112 (VCV003776112.1).

ClinVar aggregate classification (germline): Likely pathogenic (1 of 4 stars; one submission).

Conditions:
Hypogonadotropic hypogonadism 2 with or without anosmia (HH2). Also called: HYPOGONADOTROPIC HYPOGONADISM 2 WITH OR WITHOUT ANOSMIA, SUSCEPTIBILITY TO; HYPOGONADOTROPIC HYPOGONADISM 2 WITHOUT ANOSMIA, SUSCEPTIBILITY TO; FGFR1-Related GnRH Deficiency (Kallmann Syndrome 2); HYPOGONADOTROPIC HYPOGONADISM 2 WITHOUT ANOSMIA. Identifiers: Orphanet 478, MedGen C1563720, MONDO:0007844, OMIM 147950. Disease mechanism: loss of function.

Submission:

3billion
Classification: Likely pathogenic for Hypogonadotropic hypogonadism 2 with or without anosmia. Last evaluated: 2024-01-04. Review status: criteria provided, single submitter. Criteria: ACMG Guidelines, 2015. Collection method: clinical testing. Allele origin: germline. Affected: yes.
Comment: The variant is not observed in the gnomAD v2.1.1 dataset. Predicted Consequence/Location: Frameshift: predicted to result in a loss or disruption of normal protein function through nonsense-mediated decay (NMD) or protein truncation. Multiple pathogenic variants are reported downstream of the variant. Therefore, this variant is classified as Likely pathogenic according to the recommendation of ACMG/AMP guideline.